The following is an entry in ClinVar:

ClinVar aggregate classification (germline): Uncertain significance (1 of 4 stars; one submission).

Conditions:
Agammaglobulinemia 6, autosomal recessive (AGM6). Also called: AGAMMAGLOBULINEMIA 6; AGAMMAGLOBULINEMIA, AUTOSOMAL RECESSIVE, DUE TO CD79B DEFECT. Identifiers: MedGen C3150207, MONDO:0012987, OMIM 612692.

Allele frequency attached by ClinVar (database versions not stated): TOPMed below 0.00001.
gnomAD v4.1: 13 of 1,614,206 alleles (0.00081%); highest among the groups gnomAD compares: Middle Eastern, 0.016%; no homozygotes.

Submission:

Labcorp Genetics (formerly Invitae), Labcorp
Classification: Uncertain significance for Agammaglobulinemia 6, autosomal recessive. Last evaluated: 2024-02-26. Review status: criteria provided, single submitter. Criteria: Invitae Variant Classification Sherloc (09022015). Collection method: clinical testing. Allele origin: germline.
Comment: This sequence change replaces alanine, which is neutral and non-polar, with threonine, which is neutral and polar, at codon 70 of the CD79B protein (p.Ala70Thr). This variant is not present in population databases (gnomAD no frequency). This variant has not been reported in the literature in individuals affected with CD79B-related conditions. ClinVar contains an entry for this variant (Variation ID: 641789). Algorithms developed to predict the effect of missense changes on protein structure and function output the following: SIFT: "Not Available"; PolyPhen-2: "Benign"; Align-GVGD: "Not Available". The threonine amino acid residue is found in multiple mammalian species, which suggests that this missense change does not adversely affect protein function. In summary, the available evidence is currently insufficient to determine the role of this variant in disease. Therefore, it has been classified as a Variant of Uncertain Significance.

NM_000626.4(CD79B):c.208G>A (p.Ala70Thr)

Genes: CD79B (CD79b molecule; minus strand), GH-LCR (growth hormone locus control region; plus strand). Cytogenetic location: 17q23.3.
Variant type: single nucleotide variant.
Coding change: c.208G>A on transcript NM_000626.4 (MANE Select); coding-DNA position 208, G replaced by A.
Protein change: p.Ala70Thr; replaces alanine 70 with threonine.
Molecular consequence: missense variant. On other transcripts: intron variant (2).
Genome position (GRCh38, 1-based): chr17:63,930,296, C>T on the plus strand (G>A on the coding strand, the complement: CD79B is on the minus strand). VCF-style: chr17-63930296-C-T. GRCh37 (hg19) VCF-style: chr17-62007656-C-T.
Other names: c.211G>A, p.Ala71Thr (NM_001039933.3); c.119-408G>A (NM_021602.4); c.122-408G>A (NM_001329050.2); short protein forms A71T, A70T.
Identifiers: ClinVar variation 641789 (VCV000641789.6), dbSNP rs912718113, ClinGen allele CA292948804.